The following is an entry in ClinVar:

NM_004211.5(SLC6A5):c.611T>A (p.Met204Lys)

Gene: SLC6A5 (solute carrier family 6 member 5; plus strand). Cytogenetic location: 11p15.1.
Variant type: single nucleotide variant.
Coding change: c.611T>A on transcript NM_004211.5 (MANE Select); coding-DNA position 611, T replaced by A.
Protein change: p.Met204Lys; replaces methionine 204 with lysine.
Molecular consequence: missense variant. On other transcripts: intron variant (1).
Genome position (GRCh38, 1-based): chr11:20,604,356, T>A. VCF-style: chr11-20604356-T-A. GRCh37 (hg19) VCF-style: chr11-20625902-T-A.
Other names: c.-23-2651T>A (NM_001318369.2); short protein forms M204K.
Identifiers: ClinVar variation 1499113 (VCV001499113.6), dbSNP rs1201783797, ClinGen allele CA379912729.
Genomic context (GRCh38, chr11:20,604,356, plus strand): 5'-AAGGGGATGAGAATAAGGCCCGAGGGAACTGGTCCAGCAAACTGGACTTCATCCTGTCCA[T>A]GGTGGGGTACGCAGTGGGGCTGGGCAATGTCTGGAGGTTTCCCTACCTGGCCTTCCAGAA-3'
Protein context (NP_004202.4, residues 194-214): WSSKLDFILS[Met204Lys]VGYAVGLGNV

ClinVar aggregate classification (germline): Uncertain significance (1 of 4 stars; one submission).

Conditions:
Hyperekplexia 3 (HKPX3). Also called: HYPEREKPLEXIA 3, AUTOSOMAL RECESSIVE; HYPEREKPLEXIA 3, AUTOSOMAL DOMINANT. Identifiers: Orphanet 3197, MedGen C3553288, MONDO:0013827, OMIM 614618.

Submission:

Labcorp Genetics (formerly Invitae), Labcorp
Classification: Uncertain significance for Hyperekplexia 3. Last evaluated: 2021-11-10. Review status: criteria provided, single submitter. Criteria: Invitae Variant Classification Sherloc (09022015). Collection method: clinical testing. Allele origin: germline.
Comment: This variant is not present in population databases (gnomAD no frequency). This variant has not been reported in the literature in individuals affected with SLC6A5-related conditions. Algorithms developed to predict the effect of missense changes on protein structure and function (SIFT, PolyPhen-2, Align-GVGD) all suggest that this variant is likely to be disruptive. Algorithms developed to predict the effect of sequence changes on RNA splicing suggest that this variant may create or strengthen a splice site. In summary, the available evidence is currently insufficient to determine the role of this variant in disease. Therefore, it has been classified as a Variant of Uncertain Significance. This sequence change replaces methionine, which is neutral and non-polar, with lysine, which is basic and polar, at codon 204 of the SLC6A5 protein (p.Met204Lys).